The following is an entry in ClinVar:

ClinVar aggregate classification (germline): Uncertain significance (1 of 4 stars; one submission).

Conditions:
Hereditary cancer-predisposing syndrome. Also called: Hereditary Cancer Syndrome; Hereditary neoplastic syndrome; Tumor predisposition; Neoplastic Syndromes, Hereditary. Identifiers: Orphanet 140162, MedGen C0027672, MeSH D009386, MONDO:0015356.
Cardiovascular phenotype. Identifiers: MedGen CN230736.

Submission:

Ambry Genetics
Classification: Uncertain significance for Cardiovascular phenotype; Hereditary cancer-predisposing syndrome. Last evaluated: 2024-10-18. Review status: criteria provided, single submitter. Criteria: Ambry Variant Classification Scheme 2023. Collection method: clinical testing. Allele origin: germline.
Comment: The c.1468_1488del21 variant (also known as p.A490_A496del) is located in coding exon 14 of the LZTR1 gene. This variant results from an in-frame GCCCCAGTTCCCAGGGAGGCC deletion at nucleotide positions 1468 to 1488. This results in the in-frame deletion of 7 amino acids (APVPREA) at codons 490 to 496. This amino acid region is not well conserved in available vertebrate species. In addition, this alteration is predicted to be neutral by in silico analysis (Choi Y et al. PLoS ONE. 2012; 7(10):e46688). Based on the available evidence, the clinical significance of this variant remains unclear.

NM_006767.4(LZTR1):c.1468_1488del (p.Ala490_Ala496del)

Gene: LZTR1 (leucine zipper like post translational regulator 1; plus strand). Cytogenetic location: 22q11.21.
Variant type: Deletion.
Coding change: c.1468_1488del on transcript NM_006767.4 (MANE Select); coding-DNA positions 1468 to 1488, 21 bases deleted (GCCCCAGTTCCCAGGGAGGCC).
Protein change: p.Ala490_Ala496del.
Genome position (GRCh38, 1-based): chr22:20,994,122-20,994,142, GCCCCAGTTCCCAGGGAGGCC deleted; deleting any 21 consecutive bases within chr22:20,994,115-20,994,142 gives the same sequence; the c. name uses the placement nearest the transcript's 3' end. VCF-style (leftmost placement, unchanged base first): chr22-20994114-AGGAGGCCGCCCCAGTTCCCAG-A. GRCh37 (hg19) VCF-style: chr22-21348403-AGGAGGCCGCCCCAGTTCCCAG-A.
Identifiers: ClinVar variation 3541638 (VCV003541638.1).